The following is an entry in ClinVar:

ClinVar aggregate classification (germline): Uncertain significance (1 of 4 stars; one submission).

Conditions:
Ataxia-telangiectasia syndrome (AT). Also called: LOUIS-BAR SYNDROME; Cerebello-oculocutaneous telangiectasia; Immunodeficiency with ataxia telangiectasia; Ataxia telangiectasia (A-T); Ataxia-telangiectasia, complementation group D; AT, COMPLEMENTATION GROUP C. Identifiers: Orphanet 100, MedGen C0004135, MONDO:0008840, OMIM 208900.

Submission:

Labcorp Genetics (formerly Invitae), Labcorp
Classification: Uncertain significance for Ataxia-telangiectasia syndrome. Last evaluated: 2023-03-26. Review status: criteria provided, single submitter. Criteria: Invitae Variant Classification Sherloc (09022015). Collection method: clinical testing. Allele origin: germline.
Comment: In summary, the available evidence is currently insufficient to determine the role of this variant in disease. Therefore, it has been classified as a Variant of Uncertain Significance. An algorithm developed to predict the effect of missense changes on protein structure and function (PolyPhen-2) suggests that this variant is likely to be disruptive. This variant has not been reported in the literature in individuals affected with ATM-related conditions. This variant is not present in population databases (gnomAD no frequency). This sequence change replaces proline, which is neutral and non-polar, with leucine, which is neutral and non-polar, at codon 2271 of the ATM protein (p.Pro2271Leu).

NM_000051.4(ATM):c.6812C>T (p.Pro2271Leu)

Genes: ATM (ATM serine/threonine kinase; plus strand), C11orf65 (chromosome 11 open reading frame 65; minus strand). Cytogenetic location: 11q22.3.
Variant type: single nucleotide variant.
Coding change: c.6812C>T on transcript NM_000051.4 (MANE Select); coding-DNA position 6812, C replaced by T.
Protein change: p.Pro2271Leu; replaces proline 2271 with leucine.
Molecular consequence: missense variant. On other transcripts: intron variant (2).
Genome position (GRCh38, 1-based): chr11:108,326,062, C>T. VCF-style: chr11-108326062-C-T. GRCh37 (hg19) VCF-style: chr11-108196789-C-T.
Other names: c.6812C>T, p.Pro2271Leu (NM_001351834.2); c.641-16991G>A (NM_001330368.2); c.*38+9158G>A (NM_001351110.2); short protein forms P2271L.
Identifiers: ClinVar variation 2849506 (VCV002849506.3), dbSNP rs2136331132, ClinGen allele CA382556446.